The following is an entry in ClinVar:

NM_001032283.3(TMPO):c.400A>C (p.Ile134Leu)

Gene: TMPO (thymopoietin; plus strand). Cytogenetic location: 12q23.1.
Variant type: single nucleotide variant.
Coding change: c.400A>C on transcript NM_001032283.3 (MANE Select); coding-DNA position 400, A replaced by C.
Protein change: p.Ile134Leu; replaces isoleucine 134 with leucine.
Molecular consequence: missense variant.
Genome position (GRCh38, 1-based): chr12:98,528,006, A>C. VCF-style: chr12-98528006-A-C. GRCh37 (hg19) VCF-style: chr12-98921784-A-C.
Other names: c.400A>C, p.Ile134Leu (NM_001032284.3, NM_001307975.2, NM_003276.2); short protein forms I134L.
Identifiers: ClinVar variation 1736989 (VCV001736989.6), dbSNP rs745442874, ClinGen allele CA386150953.

ClinVar aggregate classification (germline): Uncertain significance. Review status: criteria provided, multiple submitters, no conflicts (2 of 4 stars). 2 submissions from 2 submitters: Uncertain significance (2). Last evaluated 2025-02-27.

Conditions:
Loeys-Dietz syndrome 2 (LDS2). Also called: TGFBR2-Related Loeys-Dietz Syndrome; Marfan Syndrome type 2; Marfan like connective tissue disorder; MFS 2; AORTIC ANEURYSM, FAMILIAL THORACIC 3; MARFAN SYNDROME, TYPE II. Identifiers: Orphanet 284973, Orphanet 558, MedGen C2674574, MONDO:0012427, OMIM 610168.

gnomAD v4.1: 3 of 1,613,742 alleles (0.00019%); highest among the groups gnomAD compares: African/African-American, 0.0027%; no homozygotes.

Submissions (2):

Ambry Genetics
Classification: Uncertain significance. Last evaluated: 2025-02-27. Review status: criteria provided, single submitter. Criteria: Ambry Variant Classification Scheme 2023. Collection method: clinical testing. Allele origin: germline.
Comment: The p.I134L variant (also known as c.400A>C), located in coding exon 2 of the TMPO gene, results from an A to C substitution at nucleotide position 400. The isoleucine at codon 134 is replaced by leucine, an amino acid with highly similar properties. This amino acid position is conserved. In addition, the in silico prediction for this alteration is inconclusive. Since supporting evidence is limited at this time, the clinical significance of this alteration remains unclear.

Labcorp Genetics (formerly Invitae), Labcorp
Classification: Uncertain significance for Loeys-Dietz syndrome 2. Last evaluated: 2022-11-12. Review status: criteria provided, single submitter. Criteria: Invitae Variant Classification Sherloc (09022015). Collection method: clinical testing. Allele origin: germline.
Comment: This sequence change replaces isoleucine, which is neutral and non-polar, with leucine, which is neutral and non-polar, at codon 134 of the TMPO protein (p.Ile134Leu). This variant is present in population databases (no rsID available, gnomAD 0.01%). This variant has not been reported in the literature in individuals affected with TMPO-related conditions. Algorithms developed to predict the effect of missense changes on protein structure and function are either unavailable or do not agree on the potential impact of this missense change (SIFT: "Deleterious"; PolyPhen-2: "Possibly Damaging"; Align-GVGD: "Class C0"). In summary, the available evidence is currently insufficient to determine the role of this variant in disease. Therefore, it has been classified as a Variant of Uncertain Significance.